The following is an entry in ClinVar:

NM_006060.6(IKZF1):c.910G>A (p.Glu304Lys)

Gene: IKZF1 (IKAROS family zinc finger 1; plus strand). Cytogenetic location: 7p12.2.
Variant type: single nucleotide variant.
Coding change: c.910G>A on transcript NM_006060.6 (MANE Select); coding-DNA position 910, G replaced by A.
Protein change: p.Glu304Lys; replaces glutamic acid 304 with lysine.
Molecular consequence: missense variant.
Genome position (GRCh38, 1-based): chr7:50,399,977, G>A. VCF-style: chr7-50399977-G-A. GRCh37 (hg19) VCF-style: chr7-50467675-G-A.
Other names: c.784G>A, p.Glu262Lys (NM_001220765.3, NM_001291837.2); c.619G>A, p.Glu207Lys (NM_001220767.2); c.649G>A, p.Glu217Lys (NM_001220768.2, NM_001291838.2); c.493G>A, p.Glu165Lys (NM_001220770.2); c.481G>A, p.Glu161Lys (NM_001220771.2, NM_001291841.1); c.523G>A, p.Glu175Lys (NM_001291839.2); c.220G>A, p.Glu74Lys (NM_001291840.1); c.451G>A, p.Glu151Lys (NM_001291842.1); and 3 more; short protein forms E109K, E119K, E151K, E161K, E165K, E175K, E207K, E217K.
Identifiers: ClinVar variation 4809166 (VCV004809166.1).
Genomic context (GRCh38, chr7:50,399,977, plus strand): 5'-GGGGACAAGGGCCTGTCCGACACGCCCTACGACAGCAGCGCCAGCTACGAGAAGGAGAAC[G>A]AAATGATGAAGTCCCACGTGATGGACCAAGCCATCAACAACGCCATCAACTACCTGGGGG-3'
Protein context (NP_006051.1, residues 294-314): DSSASYEKEN[Glu304Lys]MMKSHVMDQA

ClinVar aggregate classification (germline): Uncertain significance (1 of 4 stars; one submission).

Submission:

Labcorp Genetics (formerly Invitae), Labcorp
Classification: Uncertain significance. Last evaluated: 2025-07-29. Review status: criteria provided, single submitter. Criteria: Invitae Variant Classification Sherloc (09022015). Collection method: clinical testing. Allele origin: germline.
Comment: This sequence change replaces glutamic acid, which is acidic and polar, with lysine, which is basic and polar, at codon 304 of the IKZF1 protein (p.Glu304Lys). This variant is not present in population databases (gnomAD no frequency). This variant has not been reported in the literature in individuals affected with IKZF1-related conditions. An algorithm developed to predict the effect of missense changes on protein structure and function (PolyPhen-2) suggests that this variant is likely to be tolerated. In summary, the available evidence is currently insufficient to determine the role of this variant in disease. Therefore, it has been classified as a Variant of Uncertain Significance.